The following continues an entry in ClinVar:

NM_007294.4(BRCA1):c.3024G>A (p.Met1008Ile)

Gene: BRCA1. ClinVar aggregate classification (germline): Benign. Benign (1).

Submissions 19 to 34 of 34:

Cancer Genetics and Genomics Laboratory, British Columbia Cancer Agency
Classification: Benign. Last evaluated: 2017-04-18. Review status: criteria provided, single submitter. Criteria: ACMG Guidelines, 2015. Collection method: clinical testing. Allele origin: germline. Study: The Canadian Open Genetics Repository (COGR). Not counted in ClinVar's aggregate classification.

PreventionGenetics, part of Exact Sciences
Classification: Benign. Last evaluated: 2017-01-30. Review status: criteria provided, single submitter. Criteria: ACMG Guidelines, 2015. Collection method: clinical testing. Allele origin: germline. Not counted in ClinVar's aggregate classification.

Institute for Biomarker Research, Medical Diagnostic Laboratories, L.L.C.
Classification: Likely benign for Hereditary breast ovarian cancer syndrome. Last evaluated: 2016-04-25. Review status: criteria provided, single submitter. Criteria: ACMG Guidelines, 2015. Collection method: clinical testing. Allele origin: germline. Not counted in ClinVar's aggregate classification.

Laboratory for Molecular Medicine, Mass General Brigham Personalized Medicine
Classification: Likely benign. Last evaluated: 2016-03-29. Review status: criteria provided, single submitter. Criteria: LMM Criteria. Collection method: clinical testing. Allele origin: germline. Not counted in ClinVar's aggregate classification.
Comment: Variant identified in a genome or exome case(s) and assessed due to predicted null impact of the variant or pathogenic assertions in the literature or databases. Disclaimer: This variant has not undergone full assessment. The following are preliminary notes: ExAC: 0.2% (25/11568) Latino; ClinVar: 5 B/LB, 3 VUS

Eurofins Ntd Llc (ga)
Classification: Likely benign. Last evaluated: 2015-08-12. Review status: criteria provided, single submitter. Criteria: EGL Classification Definitions 2015. Collection method: clinical testing. Allele origin: germline. Observed: 1 variant allele, 1 heterozygote. Not counted in ClinVar's aggregate classification.

Color Diagnostics, LLC DBA Color Health
Classification: Likely benign for Hereditary cancer-predisposing syndrome. Last evaluated: 2015-02-11. Review status: criteria provided, single submitter. Criteria: ACMG Guidelines, 2015. Collection method: clinical testing. Allele origin: germline. Not counted in ClinVar's aggregate classification.

Ambry Genetics
Classification: Benign for Hereditary cancer-predisposing syndrome. Last evaluated: 2014-11-18. Review status: criteria provided, single submitter. Criteria: Ambry Variant Classification Scheme 2023. Collection method: clinical testing. Allele origin: germline. Not counted in ClinVar's aggregate classification.

Breakthrough Genomics
Classification: Benign. Review status: criteria provided, single submitter. Criteria: ACMG Guidelines, 2015. Collection method: not provided. Allele origin: germline. Inheritance: Autosomal recessive inheritance. Affected: yes. Not counted in ClinVar's aggregate classification.

Biesecker Lab/Clinical Genomics Section, National Institutes of Health
Classification: Likely benign for Breast-ovarian cancer, familial, susceptibility to, 1. Last evaluated: 2023-10-06. Review status: no assertion criteria provided. Collection method: research. Allele origin: germline. Inheritance: Autosomal dominant inheritance. Affected: no. Observed: 3 variant alleles. Study: ClinSeq. Not counted in ClinVar's aggregate classification.
Comment: BS1 based on allele frequency in AJ population of 0.010807 in gnomAD. REVEL score of 0.452. PMID:23867111 showed function like WT.

BRCAlab, Lund University
Classification: Benign for Breast-ovarian cancer, familial, susceptibility to, 1. Last evaluated: 2020-03-02. Review status: no assertion criteria provided. Collection method: clinical testing. Allele origin: germline. Affected: yes. Not counted in ClinVar's aggregate classification.

True Health Diagnostics
Classification: Benign for Hereditary cancer-predisposing syndrome. Last evaluated: 2018-09-28. Review status: no assertion criteria provided. Collection method: clinical testing. Allele origin: germline. Not counted in ClinVar's aggregate classification.

Pathway Genomics
Classification: Likely benign for hereditary breast and ovarian cancer, BROVCA1. Last evaluated: 2014-07-24. Review status: no assertion criteria provided. Collection method: literature only. Allele origin: germline. Not counted in ClinVar's aggregate classification.

Counsyl
Classification: Benign for Breast-ovarian cancer, familial 1. Last evaluated: 2014-01-24. Review status: no assertion criteria provided. Collection method: literature only. Allele origin: unknown. Inheritance: Autosomal dominant inheritance. Not counted in ClinVar's aggregate classification.

ITMI
No classification provided. Condition: AllHighlyPenetrant. Last evaluated: 2013-09-19. Review status: no classification provided. Collection method: reference population. Allele origin: germline. Not counted in ClinVar's aggregate classification.
Comment: Please see associated publication for description of ethnicities

Sharing Clinical Reports Project (SCRP)
Classification: Benign for Breast-ovarian cancer, familial 1. Last evaluated: 2012-10-23. Review status: no assertion criteria provided. Collection method: clinical testing. Allele origin: germline. Not counted in ClinVar's aggregate classification.

Breast Cancer Information Core (BIC) (BRCA1)
Classification: Uncertain significance for Breast-ovarian cancer, familial 1. Last evaluated: 2002-05-29. Review status: no assertion criteria provided. Collection method: clinical testing. Allele origin: germline. Affected: yes. Observed: 139 variant alleles. Not counted in ClinVar's aggregate classification.

Literature cited by the submitters: PubMed 21990134 (cited by Evidence-based Network for the Interpretation of Germline Mutant Alleles (ENIGMA)); DOI 10.3389/fgene.2022.834265 (cited by National Health Laboratory Service, Universitas Academic Hospital and University of the Free State); PubMed 18645608 (cited by 3 submitters); PubMed 15235020 (cited by Pathway Genomics and Counsyl); PubMed 10196379 (cited by Counsyl); PubMed 16014699 (cited by Counsyl); PubMed 21520273 (cited by Counsyl); PubMed 8776600 (cited by Counsyl); PubMed 18798010 (cited by Counsyl); PubMed 11896095 (cited by Counsyl); PubMed 15829246 (cited by Counsyl); PubMed 23867111 (cited by Counsyl); PubMed 23996866 (cited by Counsyl); PubMed 24728327 (cited by ITMI).